The following is an entry in ClinVar:

NM_000455.5(STK11):c.340G>A (p.Val114Met)

Gene: STK11 (serine/threonine kinase 11; plus strand). Cytogenetic location: 19p13.3.
Variant type: single nucleotide variant.
Coding change: c.340G>A on transcript NM_000455.5 (MANE Select); coding-DNA position 340, G replaced by A.
Protein change: p.Val114Met; replaces valine 114 with methionine.
Molecular consequence: missense variant.
Genome position (GRCh38, 1-based): chr19:1,218,466, G>A. VCF-style: chr19-1218466-G-A. GRCh37 (hg19) VCF-style: chr19-1218465-G-A.
Other names: c.340G>A, p.Val114Met (NM_001407255.1); short protein forms V114M.
Identifiers: ClinVar variation 1731164 (VCV001731164.6), dbSNP rs1373476434, ClinGen allele CA402947773.

ClinVar aggregate classification (germline): Uncertain significance. Review status: criteria provided, multiple submitters, no conflicts (2 of 4 stars). 3 submissions from 3 submitters: Uncertain significance (3). Last evaluated 2025-03-27.

Conditions:
Hereditary cancer-predisposing syndrome. Also called: Neoplastic Syndromes, Hereditary; Tumor predisposition; Hereditary Cancer Syndrome; Hereditary neoplastic syndrome. Identifiers: Orphanet 140162, MedGen C0027672, MeSH D009386, MONDO:0015356.
Peutz-Jeghers syndrome (PJS). Also called: POLYPOSIS, HAMARTOMATOUS INTESTINAL; POLYPS-AND-SPOTS SYNDROME; Peutz-Jeghers polyposis; Periorificial lentiginosis syndrome. Identifiers: Orphanet 2869, MedGen C0031269, MeSH D010580, MONDO:0008280, OMIM 175200.

Allele frequency attached by ClinVar (database versions not stated): gnomAD 0.00001; TOPMed below 0.00001.
gnomAD v4.1: 1 of 1,613,588 alleles (0.000062%); highest among the groups gnomAD compares: East Asian, 0.0022%; no homozygotes.

Submissions (3):

Labcorp Genetics (formerly Invitae), Labcorp
Classification: Uncertain significance for Peutz-Jeghers syndrome. Last evaluated: 2025-03-27. Review status: criteria provided, single submitter. Criteria: Invitae Variant Classification Sherloc (09022015). Collection method: clinical testing. Allele origin: germline.
Comment: This sequence change replaces valine, which is neutral and non-polar, with methionine, which is neutral and non-polar, at codon 114 of the STK11 protein (p.Val114Met). This variant is present in population databases (no rsID available, gnomAD 0.0009%). This missense change has been observed in individual(s) with breast cancer (PMID: 30287823, 34326862). ClinVar contains an entry for this variant (Variation ID: 1731164). Invitae Evidence Modeling of protein sequence and biophysical properties (such as structural, functional, and spatial information, amino acid conservation, physicochemical variation, residue mobility, and thermodynamic stability) has been performed for this missense variant. However, the output from this modeling did not meet the statistical confidence thresholds required to predict the impact of this variant on STK11 protein function. In summary, the available evidence is currently insufficient to determine the role of this variant in disease. Therefore, it has been classified as a Variant of Uncertain Significance.

Hema, HEMA – Genetic and Molecular Diagnostic Laboratory
Classification: Uncertain significance for Peutz-Jeghers syndrome. Last evaluated: 2024-01-18. Review status: criteria provided, single submitter. Criteria: HEMA Variant Classification Assertion Criteria. Collection method: clinical testing. Allele origin: germline.
Comment: The c.340G>A variant is a transition from guanine to adenine, resulting in the substitution of valine 114 by methionine in the STK11 protein. PM2_Supporting: Present at very low frequency in gnomAD. PP3: The computational metapredictor REVEL score = 0.689 ≥ 0.644, indicating that the variant would affect the function of the STK11 protein.

Ambry Genetics
Classification: Uncertain significance for Hereditary cancer-predisposing syndrome. Last evaluated: 2022-07-07. Review status: criteria provided, single submitter. Criteria: Ambry Variant Classification Scheme 2023. Collection method: clinical testing. Allele origin: germline.
Comment: The p.V114M variant (also known as c.340G>A), located in coding exon 2 of the STK11 gene, results from a G to A substitution at nucleotide position 340. The valine at codon 114 is replaced by methionine, an amino acid with highly similar properties. This alteration was observed with an allele frequency of 0.00014 in 7,051 unselected female breast cancer patients and was not observed in 11,241 female controls of Japanese ancestry. In addition, it was not observed in 53 unselected male breast cancer patients and was observed with an allele frequency of 0.0001 in 12,490 male controls of Japanese ancestry (Momozawa Y et al. Nat Commun, 2018 10;9:4083). This amino acid position is highly conserved in available vertebrate species. In addition, the in silico prediction for this alteration is inconclusive. Since supporting evidence is limited at this time, the clinical significance of this alteration remains unclear.

Literature cited by the submitters: PubMed 30287823 (cited by Labcorp Genetics (formerly Invitae), Labcorp and Ambry Genetics); PubMed 34326862 (cited by Labcorp Genetics (formerly Invitae), Labcorp).